The following is an entry in ClinVar:

NM_004168.4(SDHA):c.1635C>A (p.Asp545Glu)

Gene: SDHA (succinate dehydrogenase complex flavoprotein subunit A; plus strand). Cytogenetic location: 5p15.33.
Variant type: single nucleotide variant.
Coding change: c.1635C>A on transcript NM_004168.4 (MANE Select); coding-DNA position 1635, C replaced by A.
Protein change: p.Asp545Glu; replaces aspartic acid 545 with glutamic acid.
Molecular consequence: missense variant. On other transcripts: intron variant (1).
Genome position (GRCh38, 1-based): chr5:251,075, C>A. VCF-style: chr5-251075-C-A. GRCh37 (hg19) VCF-style: chr5-251190-C-A.
Other names: c.1491C>A, p.Asp497Glu (NM_001294332.2); c.1552-3318C>A (NM_001330758.2); short protein forms D497E, D545E.
Identifiers: ClinVar variation 4789768 (VCV004789768.1).

ClinVar aggregate classification (germline): Uncertain significance (1 of 4 stars; one submission).

Conditions:
Mitochondrial complex II deficiency, nuclear type 1. Also called: SUCCINATE CoQ REDUCTASE DEFICIENCY. Identifiers: Orphanet 3208, MedGen C5700310, MONDO:0100294, OMIM 252011.
Pheochromocytoma/paraganglioma syndrome 5. Also called: Paragangliomas 5; SDHA-Related Hereditary Paraganglioma-Pheochromocytoma Syndrome. Identifiers: Orphanet 29072, MedGen C3279992, MONDO:0013602, OMIM 614165.

Submission:

Labcorp Genetics (formerly Invitae), Labcorp
Classification: Uncertain significance for Pheochromocytoma/paraganglioma syndrome 5; Mitochondrial complex II deficiency, nuclear type 1. Last evaluated: 2025-06-24. Review status: criteria provided, single submitter. Criteria: Invitae Variant Classification Sherloc (09022015). Collection method: clinical testing. Allele origin: germline.
Comment: This sequence change replaces aspartic acid, which is acidic and polar, with glutamic acid, which is acidic and polar, at codon 545 of the SDHA protein (p.Asp545Glu). This variant is not present in population databases (gnomAD no frequency). This variant has not been reported in the literature in individuals affected with SDHA-related conditions. Invitae Evidence Modeling of protein sequence and biophysical properties (such as structural, functional, and spatial information, amino acid conservation, physicochemical variation, residue mobility, and thermodynamic stability) indicates that this missense variant is not expected to disrupt SDHA protein function with a negative predictive value of 95%. In summary, the available evidence is currently insufficient to determine the role of this variant in disease. Therefore, it has been classified as a Variant of Uncertain Significance.